The following is an entry in ClinVar:

ClinVar aggregate classification (germline): Uncertain significance (1 of 4 stars; one submission).

Allele frequency attached by ClinVar (database versions not stated): gnomAD 0.00001; gnomAD exomes 0.00001; TOPMed 0.00001.
gnomAD v4.1: 5 of 1,613,972 alleles (0.00031%); highest among the groups gnomAD compares: Non-Finnish European, 0.00042%; no homozygotes.

Submission:

GeneDx
Classification: Uncertain significance. Last evaluated: 2022-09-14. Review status: criteria provided, single submitter. Criteria: GeneDx Variant Classification Process June 2021. Collection method: clinical testing. Allele origin: germline. Affected: yes.
Comment: Not observed at significant frequency in large population cohorts (gnomAD); In silico analysis supports that this missense variant has a deleterious effect on protein structure/function; Has not been previously published as pathogenic or benign to our knowledge

NM_024876.4(COQ8B):c.287G>C (p.Gly96Ala)

Gene: COQ8B (coenzyme Q8B; minus strand). Cytogenetic location: 19q13.2.
Variant type: single nucleotide variant.
Coding change: c.287G>C on transcript NM_024876.4 (MANE Select); coding-DNA position 287, G replaced by C.
Protein change: p.Gly96Ala; replaces glycine 96 with alanine.
Molecular consequence: missense variant.
Genome position (GRCh38, 1-based): chr19:40,714,069, C>G on the plus strand (G>C on the coding strand, the complement: COQ8B is on the minus strand). VCF-style: chr19-40714069-C-G. GRCh37 (hg19) VCF-style: chr19-41219974-C-G.
Other names: c.287G>C, p.Gly96Ala (NM_001142555.3); short protein forms G96A.
Identifiers: ClinVar variation 1706424 (VCV001706424.2), dbSNP rs1221397795, ClinGen allele CA405967749.